The following is an entry in ClinVar:

ClinVar aggregate classification (germline): Conflicting classifications of pathogenicity. Review status: criteria provided, conflicting classifications (1 of 4 stars). 6 submissions from 6 submitters: Uncertain significance (1); Benign (1); Likely benign (4). Last evaluated 2026-02-01.

Conditions:
Inborn genetic diseases. Identifiers: MedGen C0950123, MeSH D030342.
Autosomal recessive limb-girdle muscular dystrophy type 2F (LGMDR6). Also called: Muscular dystrophy limb-girdle with delta-sarcoglyan deficiency; MUSCULAR DYSTROPHY, LIMB-GIRDLE, AUTOSOMAL RECESSIVE 6. Identifiers: Orphanet 219, MedGen C1832525, MONDO:0011028, OMIM 601287. Disease mechanism: Affects gamma-sarcoglycan and also disrupts the integrity of the entire sarcoglycan complex..

Allele frequency attached by ClinVar (database versions not stated): gnomAD below 0.00001 and 0.00004; TOPMed below 0.00001; gnomAD exomes 0.00008 and 0.00019; ExAC 0.00031.
gnomAD v4.1: 117 of 1,584,882 alleles (0.0074%); highest among the groups gnomAD compares: South Asian, 0.12%; 2 homozygotes.

Submissions (6):

Labcorp Genetics (formerly Invitae), Labcorp
Classification: Benign for Autosomal recessive limb-girdle muscular dystrophy type 2F. Last evaluated: 2026-02-01. Review status: criteria provided, single submitter. Criteria: Invitae Variant Classification Sherloc (09022015). Collection method: clinical testing. Allele origin: germline.

CeGaT Center for Human Genetics Tuebingen
Classification: Likely benign. Last evaluated: 2024-12-01. Review status: criteria provided, single submitter. Criteria: CeGaT Center For Human Genetics Tuebingen Variant Classification Criteria Version 2. Collection method: clinical testing. Allele origin: germline. Affected: yes. Observed: 1 variant allele.
Comment: SGCD: BP4, BP7

Blueprint Genetics
Classification: Likely benign. Last evaluated: 2024-11-18. Review status: criteria provided, single submitter. Criteria: ACMG Guidelines, 2015. Collection method: clinical testing. Allele origin: germline.

Ambry Genetics
Classification: Likely benign for Inborn genetic diseases. Last evaluated: 2022-04-09. Review status: criteria provided, single submitter. Criteria: Ambry Variant Classification Scheme 2023. Collection method: clinical testing. Allele origin: germline.

GeneDx
Classification: Likely benign. Last evaluated: 2020-03-18. Review status: criteria provided, single submitter. Criteria: GeneDx Variant Classification Process June 2021. Collection method: clinical testing. Allele origin: germline. Affected: yes.

Eurofins Ntd Llc (ga)
Classification: Uncertain significance. Last evaluated: 2016-11-11. Review status: criteria provided, single submitter. Criteria: EGL Classification Definitions 2015. Collection method: clinical testing. Allele origin: germline. Observed: 3 variant alleles, 3 heterozygotes.

NM_000337.6(SGCD):c.516A>G (p.Thr172=)

Gene: SGCD (sarcoglycan delta; plus strand). Cytogenetic location: 5q33.3.
Variant type: single nucleotide variant.
Coding change: c.516A>G on transcript NM_000337.6 (MANE Select); coding-DNA position 516, A replaced by G.
Protein change: p.Thr172=; no amino-acid change (threonine 172 retained).
Molecular consequence: synonymous variant.
Genome position (GRCh38, 1-based): chr5:156,647,477, A>G. VCF-style: chr5-156647477-A-G. GRCh37 (hg19) VCF-style: chr5-156074487-A-G.
Other names: c.513A>G, p.Thr171= (NM_001128209.2); c.516A>G, p.Thr172= (NM_172244.3).
Identifiers: ClinVar variation 498391 (VCV000498391.31), dbSNP rs753952200, ClinGen allele CA3530622.